The following is an entry in ClinVar:

NM_000038.6(APC):c.4325C>T (p.Pro1442Leu)

Gene: APC (APC regulator of Wnt signaling pathway; plus strand). Cytogenetic location: 5q22.2.
Variant type: single nucleotide variant.
Coding change: c.4325C>T on transcript NM_000038.6 (MANE Select); coding-DNA position 4325, C replaced by T.
Protein change: p.Pro1442Leu; replaces proline 1442 with leucine.
Molecular consequence: missense variant.
Genome position (GRCh38, 1-based): chr5:112,839,919, C>T. VCF-style: chr5-112839919-C-T. GRCh37 (hg19) VCF-style: chr5-112175616-C-T.
Other names: c.4325C>T, p.Pro1442Leu (NM_001127510.3, NM_001354895.2); c.4271C>T, p.Pro1424Leu (NM_001127511.3); c.4379C>T, p.Pro1460Leu (NM_001354896.2); c.4355C>T, p.Pro1452Leu (NM_001354897.2); c.4250C>T, p.Pro1417Leu (NM_001354898.2); c.4241C>T, p.Pro1414Leu (NM_001354899.2); c.4202C>T, p.Pro1401Leu (NM_001354900.2); c.4148C>T, p.Pro1383Leu (NM_001354901.2); and 5 more; short protein forms P1442L, P1424L, P1282L, P1316L, P1341L, P1351L, P1401L, P1417L.
Identifiers: ClinVar variation 583232 (VCV000583232.10), dbSNP rs1277706594, ClinGen allele CA16030812.

ClinVar aggregate classification (germline): Uncertain significance (1 of 4 stars; one submission).

Conditions:
Familial adenomatous polyposis 1 (FAP1). Also called: FAMILIAL ADENOMATOUS POLYPOSIS 1, ATTENUATED; POLYPOSIS, ADENOMATOUS INTESTINAL. Identifiers: MedGen C2713442, MONDO:0021056, OMIM 175100. Disease mechanism: loss of function.

Submission:

Labcorp Genetics (formerly Invitae), Labcorp
Classification: Uncertain significance for Familial adenomatous polyposis 1. Last evaluated: 2018-06-24. Review status: criteria provided, single submitter. Criteria: Invitae Variant Classification Sherloc (09022015). Collection method: clinical testing. Allele origin: germline.
Comment: In summary, the available evidence is currently insufficient to determine the role of this variant in disease. Therefore, it has been classified as a Variant of Uncertain Significance. Algorithms developed to predict the effect of missense changes on protein structure and function are either unavailable or do not agree on the potential impact of this missense change (SIFT: "Deleterious"; PolyPhen-2: "Probably Damaging"; Align-GVGD: "Class C0"). This variant has not been reported in the literature in individuals with APC-related disease. This variant is not present in population databases (ExAC no frequency). This sequence change replaces proline with leucine at codon 1442 of the APC protein (p.Pro1442Leu). The proline residue is highly conserved and there is a moderate physicochemical difference between proline and leucine.